The following is an entry in ClinVar:

ClinVar aggregate classification (germline): Uncertain significance (1 of 4 stars; one submission).

Submission:

Labcorp Genetics (formerly Invitae), Labcorp
Classification: Uncertain significance. Last evaluated: 2025-06-11. Review status: criteria provided, single submitter. Criteria: Invitae Variant Classification Sherloc (09022015). Collection method: clinical testing. Allele origin: germline.
Comment: This sequence change replaces glycine, which is neutral and non-polar, with isoleucine, which is neutral and non-polar, at codon 322 of the HMCN1 protein (p.Gly322Ile). Information on the frequency of this variant in the gnomAD database is not available, as this variant may be reported differently in the database. This variant has not been reported in the literature in individuals affected with HMCN1-related conditions. An algorithm developed to predict the effect of missense changes on protein structure and function (PolyPhen-2) suggests that this variant is likely to be disruptive. In summary, the available evidence is currently insufficient to determine the role of this variant in disease. Therefore, it has been classified as a Variant of Uncertain Significance.

NM_031935.3(HMCN1):c.964_965delinsAT (p.Gly322Ile)

Gene: HMCN1 (hemicentin 1; plus strand). Cytogenetic location: 1q31.1.
Variant type: Indel.
Coding change: c.964_965delinsAT on transcript NM_031935.3 (MANE Select); coding-DNA positions 964 to 965, GG replaced by AT.
Protein change: p.Gly322Ile; replaces glycine 322 with isoleucine.
Molecular consequence: missense variant.
Genome position (GRCh38, 1-based): chr1:185,922,442-185,922,443, GG replaced by AT. VCF-style: chr1-185922442-GG-AT. GRCh37 (hg19) VCF-style: chr1-185891574-GG-AT.
Other names: short protein forms G322I.
Identifiers: ClinVar variation 4698691 (VCV004698691.1).